The following is an entry in ClinVar:

ClinVar aggregate classification (germline): Uncertain significance. Review status: criteria provided, multiple submitters, no conflicts (2 of 4 stars). 5 submissions from 5 submitters: Uncertain significance (5). Last evaluated 2025-05-02.

Conditions:
Fanconi anemia complementation group D2. Also called: FANCD2-Related Fanconi Anemia; FANCONI PANCYTOPENIA, TYPE 4; FANCONI ANEMIA, COMPLEMENTATION GROUP D. Identifiers: Orphanet 84, MedGen C3160738, MONDO:0009214, OMIM 227646.
Fanconi anemia (FA). Also called: Fanconi's anemia. Identifiers: Orphanet 84, MedGen C0015625, MeSH D005199, MONDO:0019391.

Allele frequency attached by ClinVar (database versions not stated): gnomAD exomes 0.00002 and 0.00005; ExAC 0.00006; gnomAD 0.00011 and 0.00013; TOPMed 0.00012; 1000 Genomes Project 0.00020; ESP Exome Variant Server 0.00023; 1000 Genomes Project 30x 0.00031.
gnomAD v4.1: 46 of 1,560,814 alleles (0.0029%); highest among the groups gnomAD compares: African/African-American, 0.049%; no homozygotes.

Submissions (6):

Labcorp Genetics (formerly Invitae), Labcorp
Classification: Uncertain significance for Fanconi anemia. Last evaluated: 2025-05-02. Review status: criteria provided, single submitter. Criteria: Invitae Variant Classification Sherloc (09022015). Collection method: clinical testing. Allele origin: germline.
Comment: This sequence change falls in intron 30 of the FANCD2 gene. It does not directly change the encoded amino acid sequence of the FANCD2 protein. It affects a nucleotide within the consensus splice site. This variant is present in population databases (rs201875004, gnomAD 0.05%). This variant has not been reported in the literature in individuals affected with FANCD2-related conditions. ClinVar contains an entry for this variant (Variation ID: 571594). Variants that disrupt the consensus splice site are a relatively common cause of aberrant splicing (PMID: 17576681, 9536098). Algorithms developed to predict the effect of sequence changes on RNA splicing suggest that this variant is not likely to affect RNA splicing. In summary, the available evidence is currently insufficient to determine the role of this variant in disease. Therefore, it has been classified as a Variant of Uncertain Significance.

Fulgent Genetics
Classification: Uncertain significance for Fanconi anemia complementation group D2. Last evaluated: 2024-03-13. Review status: criteria provided, single submitter. Criteria: ACMG Guidelines, 2015. Collection method: clinical testing. Allele origin: germline.

GeneDx
Classification: Uncertain significance. Last evaluated: 2023-03-02. Review status: criteria provided, single submitter. Criteria: GeneDx Variant Classification Process June 2021. Collection method: clinical testing. Allele origin: germline. Affected: yes.
Comment: In silico analysis supports that this variant does not alter splicing; Has not been previously published as pathogenic or benign to our knowledge

Women's Health and Genetics/Laboratory Corporation of America, LabCorp
Classification: Uncertain significance. Last evaluated: 2023-02-11. Review status: criteria provided, single submitter. Criteria: LabCorp Variant Classification Summary - May 2015. Collection method: clinical testing. Allele origin: germline.

Genetic Services Laboratory, University of Chicago
Classification: Uncertain significance. Last evaluated: 2019-10-17. Review status: criteria provided, single submitter. Criteria: ACMG Guidelines, 2015. Collection method: clinical testing. Allele origin: germline. Affected: no.

Dr. Peter K. Rogan Lab, Western University
No classification provided (evidence only). Condition: Thymoma. Review status: no classification provided. Collection method: in vitro. Allele origin: not applicable. Functional consequence: skipped exon. Not counted in ClinVar's aggregate classification.

Literature cited by the submitters: PubMed 17576681 (cited by Labcorp Genetics (formerly Invitae), Labcorp); PubMed 9536098 (cited by Labcorp Genetics (formerly Invitae), Labcorp).

NM_001018115.3(FANCD2):c.2976+6T>C

Genes: FANCD2 (FA complementation group D2; plus strand), LOC107303338 (3p25 FANCD2 Alu-mediated recombination region; plus strand). Cytogenetic location: 3p25.3.
Variant type: single nucleotide variant.
Coding change: c.2976+6T>C on transcript NM_001018115.3 (MANE Select); 6 bases into the intron after coding-DNA position 2976, T replaced by C.
Molecular consequence: intron variant.
Genome position (GRCh38, 1-based): chr3:10,078,203, T>C. VCF-style: chr3-10078203-T-C. GRCh37 (hg19) VCF-style: chr3-10119887-T-C.
Other names: c.2976+6T>C (NM_001319984.2, NM_033084.6, NM_001374254.1 and 1 more transcripts); c.2865+6T>C (NM_001374253.1).
Identifiers: ClinVar variation 571594 (VCV000571594.16), dbSNP rs201875004, ClinGen allele CA2250236.